The following is an entry in ClinVar:

NM_001845.6(COL4A1):c.2160C>T (p.Gly720=)

Gene: COL4A1 (collagen type IV alpha 1 chain; minus strand). Cytogenetic location: 13q34.
Variant type: single nucleotide variant.
Coding change: c.2160C>T on transcript NM_001845.6 (MANE Select); coding-DNA position 2160, C replaced by T.
Protein change: p.Gly720=; no amino-acid change (glycine 720 retained).
Molecular consequence: synonymous variant.
Genome position (GRCh38, 1-based): chr13:110,181,325, G>A on the plus strand (C>T on the coding strand, the complement: COL4A1 is on the minus strand). VCF-style: chr13-110181325-G-A. GRCh37 (hg19) VCF-style: chr13-110833672-G-A.
Identifiers: ClinVar variation 311055 (VCV000311055.18), dbSNP rs781133776, ClinGen allele CA7047686.

ClinVar aggregate classification (germline): Benign/Likely benign. Review status: criteria provided, multiple submitters, no conflicts (2 of 4 stars). 5 submissions from 4 submitters: Benign (3); Likely benign (2). Last evaluated 2025-12-18.

Conditions:
Brain small vessel disease 1 with or without ocular anomalies (BSVD1). Also called: PORENCEPHALY, TYPE 1, AUTOSOMAL DOMINANT; Brain small vessel disease with or without ocular anomalies; GOULD SYNDROME 1; BRAIN SMALL VESSEL DISEASE WITH HEMORRHAGE. Identifiers: Orphanet 2940, Orphanet 36383, Orphanet 99810, MedGen C4755307, MONDO:0008289, OMIM 175780.
Autosomal dominant familial hematuria-retinal arteriolar tortuosity-contractures syndrome. Also called: Hereditary Angiopathy with Nephropathy, Aneurysms, and Muscle Cramps (HANAC) Syndrome; Angiopathy, hereditary, with nephropathy, aneurysms, and muscle cramps. Identifiers: Orphanet 73229, MedGen C2673195, MONDO:0012726, OMIM 611773.

Allele frequency attached by ClinVar (database versions not stated): gnomAD 0.00011; ExAC 0.00012; TOPMed 0.00017.
gnomAD v4.1: 150 of 1,613,736 alleles (0.0093%); highest among the groups gnomAD compares: Middle Eastern, 0.083%; no homozygotes.

Submissions (5):

Labcorp Genetics (formerly Invitae), Labcorp
Classification: Likely benign. Last evaluated: 2025-12-18. Review status: criteria provided, single submitter. Criteria: Invitae Variant Classification Sherloc (09022015). Collection method: clinical testing. Allele origin: germline.

Blueprint Genetics
Classification: Likely benign. Last evaluated: 2024-09-17. Review status: criteria provided, single submitter. Criteria: ACMG Guidelines, 2015. Collection method: clinical testing. Allele origin: germline.

Athena Diagnostics
Classification: Benign. Last evaluated: 2018-07-05. Review status: criteria provided, single submitter. Criteria: Athena Diagnostics Criteria. Collection method: clinical testing. Allele origin: germline.

Illumina Laboratory Services, Illumina
Classification: Benign for Autosomal dominant familial hematuria-retinal arteriolar tortuosity-contractures syndrome. Last evaluated: 2018-01-12. Review status: criteria provided, single submitter. Criteria: ICSL Variant Classification Criteria 13 December 2019. Collection method: clinical testing. Allele origin: germline.
Comment: This variant was observed in the ICSL laboratory as part of a predisposition screen in an ostensibly healthy population. It had not been previously curated by ICSL or reported in the Human Gene Mutation Database (HGMD: prior to June 1st, 2018), and was therefore a candidate for classification through an automated scoring system. Utilizing variant allele frequency, disease prevalence and penetrance estimates, and inheritance mode, an automated score was calculated to assess if this variant is too frequent to cause the disease. Based on the score and internal cut-off values, a variant classified as benign is not then subjected to further curation. The score for this variant resulted in a classification of benign for this disease.

Illumina Laboratory Services, Illumina
Classification: Benign for Brain small vessel disease 1 with or without ocular anomalies. Last evaluated: 2018-01-12. Review status: criteria provided, single submitter. Criteria: ICSL Variant Classification Criteria 13 December 2019. Collection method: clinical testing. Allele origin: germline.
Comment: the same text as in the submission from Illumina Laboratory Services, Illumina above.